The following is an entry in ClinVar:

ClinVar aggregate classification (germline): Uncertain significance (1 of 4 stars; one submission).

Conditions:
Early-infantile DEE. Also called: Early infantile epileptic encephalopathy; Ohtahara syndrome; Early infantile epileptic encephalopathy with suppression bursts. Identifiers: Orphanet 1934, MedGen C0393706, MONDO:0800491.

Submission:

Labcorp Genetics (formerly Invitae), Labcorp
Classification: Uncertain significance for Early-infantile DEE. Last evaluated: 2022-05-05. Review status: criteria provided, single submitter. Criteria: Invitae Variant Classification Sherloc (09022015). Collection method: clinical testing. Allele origin: germline.
Comment: In summary, the available evidence is currently insufficient to determine the role of this variant in disease. Therefore, it has been classified as a Variant of Uncertain Significance. Variants that disrupt the consensus splice site are a relatively common cause of aberrant splicing (PMID: 17576681, 9536098). Algorithms developed to predict the effect of sequence changes on RNA splicing suggest that this variant may disrupt the consensus splice site. This variant has not been reported in the literature in individuals affected with SCN8A-related conditions. This variant is not present in population databases (gnomAD no frequency). This sequence change falls in intron 11 of the SCN8A gene. It does not directly change the encoded amino acid sequence of the SCN8A protein. It affects a nucleotide within the consensus splice site.

Literature cited by the submitters: PubMed 17576681; PubMed 9536098.

NM_001330260.2(SCN8A):c.1635+3_1635+7del

Gene: SCN8A (sodium voltage-gated channel alpha subunit 8; plus strand). Cytogenetic location: 12q13.13.
Variant type: Deletion.
Coding change: c.1635+3_1635+7del on transcript NM_001330260.2 (MANE Select); bases 3 to 7 of the intron after coding-DNA position 1635, 5 bases deleted (AAACT; older notation c.1635+3_1635+7delAAACT).
Molecular consequence: splice donor variant.
Genome position (GRCh38, 1-based): chr12:51,706,718-51,706,722, AAACT deleted; deleting any 5 consecutive bases within chr12:51,706,717-51,706,722 gives the same sequence; the c. name uses the placement nearest the transcript's 3' end. VCF-style (leftmost placement, unchanged base first): chr12-51706716-GTAAAC-G. GRCh37 (hg19) VCF-style: chr12-52100500-GTAAAC-G.
Other names: c.1635+3_1635+7del (NM_014191.4, NM_001177984.3, NM_001369788.1).
Identifiers: ClinVar variation 2134177 (VCV002134177.4), dbSNP rs2540186543, ClinGen allele CA2580086454.